The following is an entry in ClinVar:

NM_000742.4(CHRNA2):c.431A>G (p.Asp144Gly)

Gene: CHRNA2 (cholinergic receptor nicotinic alpha 2 subunit; minus strand). Cytogenetic location: 8p21.2.
Variant type: single nucleotide variant.
Coding change: c.431A>G on transcript NM_000742.4 (MANE Select); coding-DNA position 431, A replaced by G.
Protein change: p.Asp144Gly; replaces aspartic acid 144 with glycine.
Molecular consequence: missense variant. On other transcripts: 5 prime UTR variant (4).
Genome position (GRCh38, 1-based): chr8:27,467,247, T>C on the plus strand (A>G on the coding strand, the complement: CHRNA2 is on the minus strand). VCF-style: chr8-27467247-T-C. GRCh37 (hg19) VCF-style: chr8-27324764-T-C.
Other names: c.386A>G, p.Asp129Gly (NM_001282455.2); c.-42A>G (NM_001347705.2, NM_001347706.2); c.-28A>G (NM_001347707.2); c.-31A>G (NM_001347708.2); short protein forms D129G, D144G.
Identifiers: ClinVar variation 835150 (VCV000835150.9), dbSNP rs748032811, ClinGen allele CA4689672.
Genomic context (GRCh38, chr8:27,467,247, plus strand): 5'-TTGGCCTCCCCTCATCCCCCCAGGACCCCAATGGCTTCCTACTTGTTGTAGAGAACAATG[T>C]CGGGGATCCAGATCATCTCAGAAGGGACCCTGAGAGATGTGATGTTGCCAAAATCAGTGG-3'
Protein context (NP_000733.2, residues 134-154): RVPSEMIWIP[Asp144Gly]IVLYNNADGE

ClinVar aggregate classification (germline): Uncertain significance. Review status: criteria provided, multiple submitters, no conflicts (2 of 4 stars). 2 submissions from 2 submitters: Uncertain significance (2). Last evaluated 2022-06-09.

Conditions:
Familial sleep-related hypermotor epilepsy. Also called: Autosomal Dominant Sleep-Related Hypermotor (Hyperkinetic) Epilepsy. Identifiers: Orphanet 98784, MedGen C3696898, MONDO:0000030.

Allele frequency attached by ClinVar (database versions not stated): ExAC 0.00002; gnomAD exomes 0.00001.
gnomAD v4.1: 8 of 1,613,648 alleles (0.0005%); highest among the groups gnomAD compares: Admixed American, 0.0033%; no homozygotes.

Submissions (2):

GeneDx
Classification: Uncertain significance. Last evaluated: 2022-06-09. Review status: criteria provided, single submitter. Criteria: GeneDx Variant Classification Process June 2021. Collection method: clinical testing. Allele origin: germline. Affected: yes.
Comment: In silico analysis supports that this missense variant has a deleterious effect on protein structure/function; Has not been previously published as pathogenic or benign to our knowledge

Labcorp Genetics (formerly Invitae), Labcorp
Classification: Uncertain significance. Last evaluated: 2021-03-03. Review status: criteria provided, single submitter. Criteria: Invitae Variant Classification Sherloc (09022015). Collection method: clinical testing. Allele origin: germline.
Comment: Algorithms developed to predict the effect of missense changes on protein structure and function (SIFT, PolyPhen-2, Align-GVGD) all suggest that this variant is likely to be disruptive, but these predictions have not been confirmed by published functional studies and their clinical significance is uncertain. In summary, the available evidence is currently insufficient to determine the role of this variant in disease. Therefore, it has been classified as a Variant of Uncertain Significance. This variant has not been reported in the literature in individuals with CHRNA2-related conditions. This variant is present in population databases (rs748032811, ExAC 0.009%). This sequence change replaces aspartic acid with glycine at codon 144 of the CHRNA2 protein (p.Asp144Gly). The aspartic acid residue is highly conserved and there is a moderate physicochemical difference between aspartic acid and glycine.